The following is an entry in ClinVar:

ClinVar aggregate classification (germline): Uncertain significance (1 of 4 stars; one submission).

Submission:

Labcorp Genetics (formerly Invitae), Labcorp
Classification: Uncertain significance. Last evaluated: 2023-03-10. Review status: criteria provided, single submitter. Criteria: Invitae Variant Classification Sherloc (09022015). Collection method: clinical testing. Allele origin: germline.
Comment: In summary, the available evidence is currently insufficient to determine the role of this variant in disease. Therefore, it has been classified as a Variant of Uncertain Significance. Advanced modeling of protein sequence and biophysical properties (such as structural, functional, and spatial information, amino acid conservation, physicochemical variation, residue mobility, and thermodynamic stability) performed at Invitae indicates that this missense variant is not expected to disrupt EMC1 protein function. This variant has not been reported in the literature in individuals affected with EMC1-related conditions. This variant is not present in population databases (gnomAD no frequency). This sequence change replaces histidine, which is basic and polar, with tyrosine, which is neutral and polar, at codon 580 of the EMC1 protein (p.His580Tyr).

NM_015047.3(EMC1):c.1738C>T (p.His580Tyr)

Genes: EMC1 (ER membrane protein complex subunit 1; minus strand), EMC1-AS1 (EMC1 antisense RNA 1; plus strand). Cytogenetic location: 1p36.13.
Variant type: single nucleotide variant.
Coding change: c.1738C>T on transcript NM_015047.3 (MANE Select); coding-DNA position 1738, C replaced by T.
Protein change: p.His580Tyr; replaces histidine 580 with tyrosine.
Molecular consequence: missense variant.
Genome position (GRCh38, 1-based): chr1:19,232,668, G>A on the plus strand (C>T on the coding strand, the complement: EMC1 is on the minus strand). VCF-style: chr1-19232668-G-A. GRCh37 (hg19) VCF-style: chr1-19559162-G-A.
Other names: c.1735C>T, p.His579Tyr (NM_001271427.2, NM_001271428.2); c.1672C>T, p.His558Tyr (NM_001271429.2); c.1747C>T, p.His583Tyr (NM_001375820.1); c.1744C>T, p.His582Tyr (NM_001375821.1); short protein forms H558Y, H583Y, H579Y, H580Y, H582Y.
Identifiers: ClinVar variation 2811734 (VCV002811734.3), dbSNP rs2536730290, ClinGen allele CA338760604.